The following is an entry in ClinVar:

ClinVar aggregate classification (germline): Conflicting classifications of pathogenicity. Review status: criteria provided, conflicting classifications (1 of 4 stars). 2 submissions from 2 submitters: Uncertain significance (1); Likely benign (1). Last evaluated 2026-01-16.

Allele frequency attached by ClinVar (database versions not stated): TOPMed below 0.00001; ExAC 0.00001; gnomAD 0.00001; gnomAD exomes below 0.00001.
gnomAD v4.1: 4 of 1,614,034 alleles (0.00025%); highest among the groups gnomAD compares: East Asian, 0.0045%; no homozygotes.

Submissions (2):

Ambry Genetics
Classification: Likely benign. Last evaluated: 2026-01-16. Review status: criteria provided, single submitter. Criteria: Ambry Variant Classification Scheme 2023. Collection method: clinical testing. Allele origin: germline.

Labcorp Genetics (formerly Invitae), Labcorp
Classification: Uncertain significance. Last evaluated: 2022-06-04. Review status: criteria provided, single submitter. Criteria: Invitae Variant Classification Sherloc (09022015). Collection method: clinical testing. Allele origin: germline.
Comment: In summary, the available evidence is currently insufficient to determine the role of this variant in disease. Therefore, it has been classified as a Variant of Uncertain Significance. Algorithms developed to predict the effect of missense changes on protein structure and function output the following: SIFT: "Tolerated"; PolyPhen-2: "Benign"; Align-GVGD: "Class C0". The valine amino acid residue is found in multiple mammalian species, which suggests that this missense change does not adversely affect protein function. This variant has not been reported in the literature in individuals affected with GEN1-related conditions. This variant is present in population databases (rs778264251, gnomAD 0.006%). This sequence change replaces methionine, which is neutral and non-polar, with valine, which is neutral and non-polar, at codon 49 of the GEN1 protein (p.Met49Val).

NM_001130009.3(GEN1):c.145A>G (p.Met49Val)

Gene: GEN1 (GEN1 structure-specific endonuclease; plus strand). Cytogenetic location: 2p24.2.
Variant type: single nucleotide variant.
Coding change: c.145A>G on transcript NM_001130009.3 (MANE Select); coding-DNA position 145, A replaced by G.
Protein change: p.Met49Val; replaces methionine 49 with valine.
Molecular consequence: missense variant.
Genome position (GRCh38, 1-based): chr2:17,760,088, A>G. VCF-style: chr2-17760088-A-G. GRCh37 (hg19) VCF-style: chr2-17941355-A-G.
Other names: c.145A>G, p.Met49Val (NM_182625.5); c.145A>G (NM_001130009.1); short protein forms M49V.
Identifiers: ClinVar variation 2182370 (VCV002182370.5), dbSNP rs778264251, ClinGen allele CA1540319.